The following is an entry in ClinVar:

NM_031263.4(HNRNPK):c.553T>G (p.Cys185Gly)

Genes: HNRNPK (heterogeneous nuclear ribonucleoprotein K; minus strand), HNRNPK-AS1 (HNRNPK antisense RNA 1; plus strand). Cytogenetic location: 9q21.32.
Variant type: single nucleotide variant.
Coding change: c.553T>G on transcript NM_031263.4 (MANE Select); coding-DNA position 553, T replaced by G.
Protein change: p.Cys185Gly; replaces cysteine 185 with glycine.
Molecular consequence: missense variant.
Genome position (GRCh38, 1-based): chr9:83,972,936, A>C on the plus strand (T>G on the coding strand, the complement: HNRNPK is on the minus strand). VCF-style: chr9-83972936-A-C. GRCh37 (hg19) VCF-style: chr9-86587851-A-C.
Other names: c.481T>G, p.Cys161Gly (NM_001318186.2, NM_001318187.2); c.553T>G, p.Cys185Gly (NM_001318188.2, NM_002140.5, NM_031262.4); short protein forms C161G, C185G.
Identifiers: ClinVar variation 4532130 (VCV004532130.1).
Genomic context (GRCh38, chr9:83,972,936, plus strand): 5'-ACTCTACAACCCTATCGGGTTTTCCTCCAATAAGAACAACTCTGTCAGTGGAATGAGGAC[A>C]GCATTCCTGGAAAAGCTTGATGGTGGTTTGAGTGTTCTGTAGTAAGATCATAAAAAAAAA-3'
Protein context (NP_112553.1, residues 175-195): QTTIKLFQEC[Cys185Gly]PHSTDRVVLI

ClinVar aggregate classification (germline): Likely pathogenic (1 of 4 stars; one submission).

Conditions:
Au-Kline syndrome. Also called: Neurodevelopmental disorder-craniofacial dysmorphism-cardiac defect-hip dysplasia syndrome due to a point mutation; Okamoto syndrome. Identifiers: Orphanet 2729, Orphanet 453499, Orphanet 453504, MedGen C4225274, MONDO:0014700, OMIM 616580.

Submission:

Victorian Clinical Genetics Services, Murdoch Childrens Research Institute
Classification: Likely pathogenic for Au-Kline syndrome. Last evaluated: 2025-09-29. Review status: criteria provided, single submitter. Criteria: ACMG Guidelines, 2015. Collection method: clinical testing. Allele origin: germline. Affected: yes.
Comment: This variant is classified as Likely pathogenic. Evidence in support of pathogenic classification: Variant is absent from gnomAD (v2, v3 and v4); Missense variant in a region that is highly intolerant to missense variation (high constraint region in DECIPHER); Evidence in support of benign classification: Same amino acid change has been observed in placental mammals. Additional information: Variant is predicted to result in a missense amino acid change from Cys to Gly; This variant is heterozygous; This gene is associated with autosomal dominant disease; This variant has no previous evidence of pathogenicity; No published evidence of segregation with disease has been identified for this variant; No published functional evidence has been identified for this variant; No comparable missense variants have previous evidence for pathogenicity; Loss of function is a known mechanism of disease in this gene and is associated with Au-Kline syndrome (MIM#616580).